The following is an entry in ClinVar:

NM_001008537.3(NEXMIF):c.3893T>A (p.Met1298Lys)

Gene: NEXMIF (neurite extension and migration factor; minus strand). Cytogenetic location: Xq13.3.
Variant type: single nucleotide variant.
Coding change: c.3893T>A on transcript NM_001008537.3 (MANE Select); coding-DNA position 3893, T replaced by A.
Protein change: p.Met1298Lys; replaces methionine 1298 with lysine.
Molecular consequence: missense variant.
Genome position (GRCh38, 1-based): chrX:74,740,664, A>T on the plus strand (T>A on the coding strand, the complement: NEXMIF is on the minus strand). VCF-style: chrX-74740664-A-T. GRCh37 (hg19) VCF-style: chrX-73960499-A-T.
Other names: short protein forms M1298K.
Identifiers: ClinVar variation 4527804 (VCV004527804.1).

ClinVar aggregate classification (germline): Uncertain significance (1 of 4 stars; one submission).

Submission:

GeneDx
Classification: Uncertain significance. Last evaluated: 2025-05-01. Review status: criteria provided, single submitter. Criteria: GeneDx Variant Classification Process June 2021. Collection method: clinical testing. Allele origin: germline. Affected: yes.
Comment: Not observed at significant frequency in large population cohorts (gnomAD); In silico analysis suggests that this missense variant does not alter protein structure/function; Has not been previously published as pathogenic or benign to our knowledge